The following is an entry in ClinVar:

ClinVar aggregate classification (germline): Uncertain significance (1 of 4 stars; one submission).

Conditions:
Gastrointestinal stromal tumor. Also called: Gastrointestinal stromal tumor, somatic; Gastrointestinal stroma tumor. Identifiers: Orphanet 44890, MedGen C0238198, MeSH D046152, MONDO:0011719, OMIM 606764, HP:0100723.

Submission:

Labcorp Genetics (formerly Invitae), Labcorp
Classification: Uncertain significance for Gastrointestinal stromal tumor. Last evaluated: 2024-04-26. Review status: criteria provided, single submitter. Criteria: Invitae Variant Classification Sherloc (09022015). Collection method: clinical testing. Allele origin: germline.
Comment: This sequence change replaces arginine, which is basic and polar, with serine, which is neutral and polar, at codon 271 of the KIT protein (p.Arg271Ser). This variant is not present in population databases (gnomAD no frequency). This variant has not been reported in the literature in individuals affected with KIT-related conditions. An algorithm developed to predict the effect of missense changes on protein structure and function (PolyPhen-2) suggests that this variant is likely to be disruptive. In summary, the available evidence is currently insufficient to determine the role of this variant in disease. Therefore, it has been classified as a Variant of Uncertain Significance.

NM_000222.3(KIT):c.811C>A (p.Arg271Ser)

Gene: KIT (KIT proto-oncogene, receptor tyrosine kinase; plus strand). Cytogenetic location: 4q12.
Variant type: single nucleotide variant.
Coding change: c.811C>A on transcript NM_000222.3 (MANE Select); coding-DNA position 811, C replaced by A.
Protein change: p.Arg271Ser; replaces arginine 271 with serine.
Molecular consequence: missense variant.
Genome position (GRCh38, 1-based): chr4:54,703,778, C>A. VCF-style: chr4-54703778-C-A. GRCh37 (hg19) VCF-style: chr4-55569944-C-A.
Other names: c.811C>A, p.Arg271Ser (NM_001093772.2, NM_001385285.1, NM_001385286.1); c.814C>A, p.Arg272Ser (NM_001385284.1, NM_001385288.1, NM_001385290.1 and 1 more transcripts); short protein forms R272S, R271S.
Identifiers: ClinVar variation 3673065 (VCV003673065.2).